The following is an entry in ClinVar:

ClinVar aggregate classification (germline): Uncertain significance. Review status: criteria provided, multiple submitters, no conflicts (2 of 4 stars). 2 submissions from 2 submitters: Uncertain significance (2). Last evaluated 2025-11-01.

Conditions:
Ehlers-Danlos syndrome, type 4 (EDSVASC). Also called: Ehlers-Danlos syndrome vascular type; Ehlers Danlos syndrome, ecchymotic type; Ehlers Danlos syndrome, arterial type; Ehlers Danlos syndrome, Sack-Barabas type; Ehlers-Danlos Syndrome Type IV. Identifiers: Orphanet 286, MedGen C0268338, MONDO:0017314, OMIM 130050.

Allele frequency attached by ClinVar (database versions not stated): gnomAD exomes below 0.00001.
gnomAD v4.1: 1 of 1,613,826 alleles (0.000062%); highest among the groups gnomAD compares: Non-Finnish European, 0.000085%; no homozygotes.

Submissions (2):

Labcorp Genetics (formerly Invitae), Labcorp
Classification: Uncertain significance for Ehlers-Danlos syndrome, type 4. Last evaluated: 2025-11-01. Review status: criteria provided, single submitter. Criteria: Invitae Variant Classification Sherloc (09022015). Collection method: clinical testing. Allele origin: germline.
Comment: This sequence change replaces proline, which is neutral and non-polar, with serine, which is neutral and polar, at codon 344 of the COL3A1 protein (p.Pro344Ser). This variant is not present in population databases (gnomAD no frequency). This variant has not been reported in the literature in individuals affected with COL3A1-related conditions. ClinVar contains an entry for this variant (Variation ID: 199717). Invitae Evidence Modeling of protein sequence and biophysical properties (such as structural, functional, and spatial information, amino acid conservation, physicochemical variation, residue mobility, and thermodynamic stability) indicates that this missense variant is not expected to disrupt COL3A1 protein function with a negative predictive value of 95%. In summary, the available evidence is currently insufficient to determine the role of this variant in disease. Therefore, it has been classified as a Variant of Uncertain Significance.

GeneDx
Classification: Uncertain significance. Last evaluated: 2014-03-15. Review status: criteria provided, single submitter. Criteria: GeneDx Variant Classification (06012015). Collection method: clinical testing. Allele origin: germline. Affected: yes.
Comment: p.Pro344Ser (CCT>TCT): c.1030 C>T in exon 15 of the COL3A1 gene (NM_000090.3) The P344S variant has not been published as a mutation, nor has it been reported as a benign polymorphism to our knowledge. No population data was available for this substitution. The P344S variant is a non-conservative amino acid substitution, which is likely to impact secondary protein structure as these residues differ in polarity, charge, size and/or other properties. This substitution occurs at a position that is conserved across species within a triple helical region. In silico analysis is inconsistent in its predictions as to whether or not the variant is damaging to the protein structure/function. A missense mutation in a nearby residues (G345R) has been reported in association with EDS, type IV, supporting the functional importance of this region of the protein. Therefore, based on the currently available information, it is unclear whether this variant is a pathogenic mutation or a rare benign variant. The variant is found in TAAD panel(s).

NM_000090.4(COL3A1):c.1030C>T (p.Pro344Ser)

Gene: COL3A1 (collagen type III alpha 1 chain; plus strand). Cytogenetic location: 2q32.2.
Variant type: single nucleotide variant.
Coding change: c.1030C>T on transcript NM_000090.4 (MANE Select); coding-DNA position 1030, C replaced by T.
Protein change: p.Pro344Ser; replaces proline 344 with serine.
Molecular consequence: missense variant.
Genome position (GRCh38, 1-based): chr2:188,992,920, C>T. VCF-style: chr2-188992920-C-T. GRCh37 (hg19) VCF-style: chr2-189857646-C-T.
Other names: p.P344S:CCT>TCT; short protein forms P344S.
Identifiers: ClinVar variation 199717 (VCV000199717.3), dbSNP rs794728042, ClinGen allele CA004034.